The following is an entry in ClinVar:

ClinVar aggregate classification (germline): Uncertain significance (1 of 4 stars; one submission).

Allele frequency attached by ClinVar (database versions not stated): gnomAD 0.00001; gnomAD exomes 0.00001; ExAC 0.00002; 1000 Genomes Project 30x 0.00016; 1000 Genomes Project 0.00020.
gnomAD v4.1: 13 of 1,613,894 alleles (0.00081%); highest among the groups gnomAD compares: South Asian, 0.013%; no homozygotes.

Submission:

Ambry Genetics
Classification: Uncertain significance. Last evaluated: 2024-10-11. Review status: criteria provided, single submitter. Criteria: Ambry Variant Classification Scheme 2023. Collection method: clinical testing. Allele origin: germline.
Comment: The p.G1406E variant (also known as c.4217G>A), located in coding exon 16 of the POLQ gene, results from a G to A substitution at nucleotide position 4217. The glycine at codon 1406 is replaced by glutamic acid, an amino acid with similar properties. This amino acid position is conserved. In addition, this alteration is predicted to be tolerated by in silico analysis. Since supporting evidence is limited at this time, the clinical significance of this alteration remains unclear.

NM_199420.4(POLQ):c.4217G>A (p.Gly1406Glu)

Gene: POLQ (DNA polymerase theta; minus strand). Cytogenetic location: 3q13.33.
Variant type: single nucleotide variant.
Coding change: c.4217G>A on transcript NM_199420.4 (MANE Select); coding-DNA position 4217, G replaced by A.
Protein change: p.Gly1406Glu; replaces glycine 1406 with glutamic acid.
Molecular consequence: missense variant.
Genome position (GRCh38, 1-based): chr3:121,488,714, C>T on the plus strand (G>A on the coding strand, the complement: POLQ is on the minus strand). VCF-style: chr3-121488714-C-T. GRCh37 (hg19) VCF-style: chr3-121207561-C-T.
Other names: short protein forms G1406E.
Identifiers: ClinVar variation 1738785 (VCV001738785.3), dbSNP rs576870523, ClinGen allele CA2562936.